The following is an entry in ClinVar:

ClinVar aggregate classification (germline): Likely benign (1 of 4 stars; one submission).

gnomAD v4.1: 6 of 1,614,036 alleles (0.00037%); highest among the groups gnomAD compares: East Asian, 0.0022%; no homozygotes.

Submission:

CeGaT Center for Human Genetics Tuebingen
Classification: Likely benign. Last evaluated: 2026-05-01. Review status: criteria provided, single submitter. Criteria: CeGaT Center For Human Genetics Tuebingen Variant Classification Criteria Version 2. Collection method: clinical testing. Allele origin: germline. Affected: yes. Observed: 1 variant allele.
Comment: B3GNT2: BP4, BP7

NM_006577.6(B3GNT2):c.999C>T (p.Asp333=)

Gene: B3GNT2 (UDP-GlcNAc:betaGal beta-1,3-N-acetylglucosaminyltransferase 2; plus strand). Cytogenetic location: 2p15.
Variant type: single nucleotide variant.
Coding change: c.999C>T on transcript NM_006577.6 (MANE Select); coding-DNA position 999, C replaced by T.
Protein change: p.Asp333=; no amino-acid change (aspartic acid 333 retained).
Molecular consequence: synonymous variant.
Genome position (GRCh38, 1-based): chr2:62,223,219, C>T. VCF-style: chr2-62223219-C-T. GRCh37 (hg19) VCF-style: chr2-62450354-C-T.
Other names: c.999C>T, p.Asp333= (NM_001319075.2).
Identifiers: ClinVar variation 4873131 (VCV004873131.2).